The following is an entry in ClinVar:

ClinVar aggregate classification (germline): Pathogenic. Review status: criteria provided, single submitter (1 of 4 stars). 2 submissions from 1 submitter: Pathogenic (2). Last evaluated 2016-05-23.

Conditions:
Emery-Dreifuss muscular dystrophy 4, autosomal dominant (EDMD4). Also called: EMERY-DREIFUSS MUSCULAR DYSTROPHY 4 WITH VARIABLE FEATURES. Identifiers: Orphanet 261, MedGen C2751807, MONDO:0013071, OMIM 612998.
Autosomal recessive ataxia, Beauce type. Also called: Spinocerebellar ataxia, autosomal recessive 8; ATAXIA, RECESSIVE, OF BEAUCE; SYNE1-Related Autosomal Recessive Cerebellar Ataxia; SYNE1 Deficiency. Identifiers: Orphanet 88644, MedGen C1853116, MONDO:0012549, OMIM 610743.

Allele frequency attached by ClinVar (database versions not stated): TOPMed below 0.00001.

Submissions (2):

Labcorp Genetics (formerly Invitae), Labcorp
Classification: Pathogenic for Autosomal recessive ataxia, Beauce type. Last evaluated: 2016-05-23. Review status: criteria provided, single submitter. Criteria: Invitae Variant Classification Sherloc (09022015). Collection method: clinical testing. Allele origin: germline.
Comment: This sequence change deletes 2 nucleotides from exon 28 of the SYNE1 mRNA (c.3520_3521delGT), causing a frameshift at codon 1174. This creates a premature translational stop signal (p.Val1174*) and is expected to result in an absent or disrupted protein product. While this particular variant has not been reported in the literature, truncating variants in SYNE1 are known to cause autosomal recessive spinocerebellar ataxia (PMID: 17159980). In addition, missense sequence changes in SYNE1 have been reported in individuals affected with autosomal dominant EDMD or EDMD-like disease (PMID: 25091525, 17761684), but these observations are not expected to be relevant to truncating variants. For these reasons, this variant has been classified as Pathogenic.

Labcorp Genetics (formerly Invitae), Labcorp
Classification: Pathogenic for Emery-Dreifuss muscular dystrophy 4, autosomal dominant; Autosomal recessive ataxia, Beauce type. Last evaluated: 2016-05-23. Review status: criteria provided, single submitter. Criteria: Invitae Variant Classification Sherloc (09022015). Collection method: clinical testing. Allele origin: germline.
Comment: For these reasons, this variant has been classified as Pathogenic. While this particular variant has not been reported in the literature, truncating variants in SYNE1 are known to cause autosomal recessive spinocerebellar ataxia (PMID: 17159980). In addition, missense sequence changes in SYNE1 have been reported in individuals affected with autosomal dominant EDMD or EDMD-like disease (PMID: 25091525, 17761684), but these observations are not expected to be relevant to truncating variants. This sequence change deletes 2 nucleotides from exon 28 of the SYNE1 mRNA (c.3520_3521delGT), causing a frameshift at codon 1174. This creates a premature translational stop signal (p.Val1174*) and is expected to result in an absent or disrupted protein product.

Literature cited by the submitters: PubMed 17159980; PubMed 25091525; PubMed 17761684.

NM_182961.4(SYNE1):c.3499_3500del (p.Ala1166_Val1167insTer)

Gene: SYNE1 (spectrin repeat containing nuclear envelope protein 1; minus strand). Cytogenetic location: 6q25.2.
Variant type: Deletion.
Coding change: c.3499_3500del on transcript NM_182961.4 (MANE Select); coding-DNA positions 3499 to 3500, 2 bases deleted (GT; older notation c.3499_3500delGT).
Protein change: p.Ala1166_Val1167insTer.
Molecular consequence: nonsense.
Genome position (GRCh38, 1-based): chr6:152,449,537-152,449,538, AC deleted on the plus strand (GT on the coding strand, the reverse complement: SYNE1 is on the minus strand). VCF-style (leftmost placement, unchanged base first): chr6-152449536-AAC-A. GRCh37 (hg19) VCF-style: chr6-152770671-AAC-A.
Other names: c.3520_3521delGT (NM_033071.3); c.3520_3521del, p.Ala1173_Val1174insTer (NM_033071.5).
Identifiers: ClinVar variation 465780 (VCV000465780.7), dbSNP rs1554721227, ClinGen allele CA658657635.
Genomic context (GRCh38, chr6:152,449,536, plus strand): 5'-ACATTATTCTTCCACTATGAGAAATTTTCCTCTAGCAAATAATGACCCTGAACTTACTTC[AAC>A]GGCACGTTTAACCTCTCCGTGGTTGGCAGTATCGATGGCCTCACCCTTGATCCCCTTTAA-3'